The following is an entry in ClinVar:

NM_001039.4(SCNN1G):c.387T>C (p.Tyr129=)

Gene: SCNN1G (sodium channel epithelial 1 subunit gamma; plus strand). Cytogenetic location: 16p12.2.
Variant type: single nucleotide variant.
Coding change: c.387T>C on transcript NM_001039.4 (MANE Select); coding-DNA position 387, T replaced by C.
Protein change: p.Tyr129=; no amino-acid change (tyrosine 129 retained).
Molecular consequence: synonymous variant.
Genome position (GRCh38, 1-based): chr16:23,189,440, T>C. VCF-style: chr16-23189440-T-C. GRCh37 (hg19) VCF-style: chr16-23200761-T-C.
Other names: p.Tyr129=.
Identifiers: ClinVar variation 165172 (VCV000165172.22), dbSNP rs5734, ClinGen allele CA177886.

ClinVar aggregate classification (germline): Benign. Review status: criteria provided, multiple submitters, no conflicts (2 of 4 stars). 10 submissions from 9 submitters: Benign (10). Last evaluated 2026-02-04.

Conditions:
Liddle syndrome 2. Identifiers: MedGen C4748251, MONDO:0020854, OMIM 618114.
Pseudohypoaldosteronism, type IB1, autosomal recessive. Also called: Pseudohypoaldosteronism, Type I, Autosomal Recessive; Pseudohypoaldosteronism, Type I, Recessive; PHA I, AUTOSOMAL RECESSIVE; Autosomal recessive pseudohypoaldosteronism type 1. Identifiers: Orphanet 171876, Orphanet 756, MedGen C5774176, MONDO:0009917, OMIM 264350.

Allele frequency attached by ClinVar (database versions not stated): 1000 Genomes Project 30x 0.23673; 1000 Genomes Project 0.23902; TOPMed 0.26922; ESP Exome Variant Server 0.26943; gnomAD 0.27146 and 0.27238; ExAC 0.30228; gnomAD exomes 0.30599 and 0.30897.
gnomAD v4.1: 488,648 of 1,613,870 alleles (30%); highest among the groups gnomAD compares: Admixed American, 41%; 76,394 homozygotes.

Submissions (10):

Labcorp Genetics (formerly Invitae), Labcorp
Classification: Benign. Last evaluated: 2026-02-04. Review status: criteria provided, single submitter. Criteria: Invitae Variant Classification Sherloc (09022015). Collection method: clinical testing. Allele origin: germline.

Blueprint Genetics
Classification: Benign. Last evaluated: 2024-11-27. Review status: criteria provided, single submitter. Criteria: ACMG Guidelines, 2015. Collection method: clinical testing. Allele origin: germline.

Mayo Clinic Laboratories, Mayo Clinic
Classification: Benign. Last evaluated: 2022-03-09. Review status: criteria provided, single submitter. Criteria: ACMG Guidelines, 2015. Collection method: clinical testing. Allele origin: germline. Observed: 93 variant alleles.

GeneDx
Classification: Benign. Last evaluated: 2018-11-12. Review status: criteria provided, single submitter. Criteria: GeneDx Variant Classification Process June 2021. Collection method: clinical testing. Allele origin: germline. Affected: yes.

Illumina Laboratory Services, Illumina
Classification: Benign for Pseudohypoaldosteronism, type IB1, autosomal recessive. Last evaluated: 2018-01-13. Review status: criteria provided, single submitter. Criteria: ICSL Variant Classification Criteria 13 December 2019. Collection method: clinical testing. Allele origin: germline.
Comment: This variant was observed in the ICSL laboratory as part of a predisposition screen in an ostensibly healthy population. It had not been previously curated by ICSL or reported in the Human Gene Mutation Database (HGMD: prior to June 1st, 2018), and was therefore a candidate for classification through an automated scoring system. Utilizing variant allele frequency, disease prevalence and penetrance estimates, and inheritance mode, an automated score was calculated to assess if this variant is too frequent to cause the disease. Based on the score and internal cut-off values, a variant classified as benign is not then subjected to further curation. The score for this variant resulted in a classification of benign for this disease.

Illumina Laboratory Services, Illumina
Classification: Benign for Liddle syndrome 2. Last evaluated: 2018-01-13. Review status: criteria provided, single submitter. Criteria: ICSL Variant Classification Criteria 13 December 2019. Collection method: clinical testing. Allele origin: germline.
Comment: the same text as in the submission from Illumina Laboratory Services, Illumina above.

Athena Diagnostics
Classification: Benign. Last evaluated: 2017-07-24. Review status: criteria provided, single submitter. Criteria: Athena Diagnostics Criteria. Collection method: clinical testing. Allele origin: germline.

Laboratory for Molecular Medicine, Mass General Brigham Personalized Medicine
Classification: Benign. Last evaluated: 2013-02-21. Review status: criteria provided, single submitter. Criteria: LMM Criteria. Collection method: clinical testing. Allele origin: germline. Observed: 57 variant alleles.
Comment: Tyr129Tyr in exon 3 of SCNN1G: This variant is not expected to have clinical sig nificance because it does not alter an amino acid residue and is not located wit hin the splice consensus sequence. It has been identified in 32.1% (2759/8600) o f European American chromosomes from a broad population by the NHLBI Exome Seque ncing Project (dbSNP rs5734).

Breakthrough Genomics
Classification: Benign. Review status: criteria provided, single submitter. Criteria: ACMG Guidelines, 2015. Collection method: not provided. Allele origin: germline. Inheritance: Autosomal dominant inheritance. Affected: yes.

PreventionGenetics, part of Exact Sciences
Classification: Benign. Review status: criteria provided, single submitter. Criteria: ACMG Guidelines, 2015. Collection method: clinical testing. Allele origin: germline.